The following is an entry in ClinVar:

NM_001135022.2(ELMOD3):c.1060C>T (p.Pro354Ser)

Gene: ELMOD3 (ELMO domain containing 3; plus strand). Cytogenetic location: 2p11.2.
Variant type: single nucleotide variant.
Coding change: c.1060C>T on transcript NM_001135022.2 (MANE Select); coding-DNA position 1060, C replaced by T.
Protein change: p.Pro354Ser; replaces proline 354 with serine.
Molecular consequence: missense variant. On other transcripts: 3 prime UTR variant (1), non-coding transcript variant (3).
Genome position (GRCh38, 1-based): chr2:85,390,876, C>T. VCF-style: chr2-85390876-C-T. GRCh37 (hg19) VCF-style: chr2-85617999-C-T.
Other names: c.1060C>T, p.Pro354Ser (NM_001135021.2, NM_001135023.2, NM_001329791.2 and 2 more transcripts); c.*378C>T (NM_032213.5); short protein forms P354S.
Identifiers: ClinVar variation 2636678 (VCV002636678.3), dbSNP rs753929130, ClinGen allele CA1740607.

ClinVar aggregate classification (germline): Uncertain significance (0 of 4 stars; one submission).

Conditions:
ELMOD3-related disorder. Also called: ELMOD3-related condition.

Allele frequency attached by ClinVar (database versions not stated): gnomAD exomes 0.00001; ExAC 0.00009; gnomAD 0.00015; TOPMed 0.00018.
gnomAD v4.1: 36 of 1,551,566 alleles (0.0023%); highest among the groups gnomAD compares: African/African-American, 0.045%; no homozygotes.

Submission:

PreventionGenetics, part of Exact Sciences
Classification: Uncertain significance for ELMOD3-related condition. Last evaluated: 2023-12-19. Review status: no assertion criteria provided. Collection method: clinical testing. Allele origin: germline.
Comment: The ELMOD3 c.1060C>T variant is predicted to result in the amino acid substitution p.Pro354Ser. To our knowledge, this variant has not been reported in the literature. This variant is reported in 0.048% of alleles in individuals of African descent in gnomAD. At this time, the clinical significance of this variant is uncertain due to the absence of conclusive functional and genetic evidence.